The following is an entry in ClinVar:

ClinVar aggregate classification (germline): Benign/Likely benign. Review status: criteria provided, multiple submitters, no conflicts (2 of 4 stars). 5 submissions from 5 submitters: Benign (2); Likely benign (1). 2 of the submissions do not count toward it. Last evaluated 2023-03-01.

Allele frequency attached by ClinVar (database versions not stated): 1000 Genomes Project 30x 0.00125; 1000 Genomes Project 0.00140; TOPMed 0.00188; ESP Exome Variant Server 0.00213; gnomAD 0.00293.
gnomAD v4.1: 4,769 of 1,613,418 alleles (0.3%); highest among the groups gnomAD compares: Non-Finnish European, 0.33%; 14 homozygotes.

Submissions (5):

CeGaT Center for Human Genetics Tuebingen
Classification: Likely benign. Last evaluated: 2023-03-01. Review status: criteria provided, single submitter. Criteria: CeGaT Center For Human Genetics Tuebingen Variant Classification Criteria Version 2. Collection method: clinical testing. Allele origin: germline. Affected: yes. Observed: 1 variant allele.
Comment: ARHGEF28: BP4, BP7

Labcorp Genetics (formerly Invitae), Labcorp
Classification: Benign. Last evaluated: 2019-12-31. Review status: criteria provided, single submitter. Criteria: Invitae Variant Classification Sherloc (09022015). Collection method: clinical testing. Allele origin: germline.

Breakthrough Genomics
Classification: Benign. Review status: criteria provided, single submitter. Criteria: ACMG Guidelines, 2015. Collection method: not provided. Allele origin: germline. Inheritance: Unknown mechanism. Affected: yes.

Clinical Genetics DNA and cytogenetics Diagnostics Lab, Erasmus MC, Erasmus Medical Center
Classification: Likely benign. Review status: no assertion criteria provided. Collection method: clinical testing. Allele origin: germline. Affected: yes. Study: VKGL Data-share Consensus. Not counted in ClinVar's aggregate classification.

Clinical Genetics, Academic Medical Center
Classification: Benign. Review status: no assertion criteria provided. Collection method: clinical testing. Allele origin: germline. Affected: yes. Study: VKGL Data-share Consensus. Not counted in ClinVar's aggregate classification.

NM_001177693.2(ARHGEF28):c.4887C>G (p.Ala1629=)

Gene: ARHGEF28 (Rho guanine nucleotide exchange factor 28; plus strand). Cytogenetic location: 5q13.2.
Variant type: single nucleotide variant.
Coding change: c.4887C>G on transcript NM_001177693.2 (MANE Select); coding-DNA position 4887, C replaced by G.
Protein change: p.Ala1629=; no amino-acid change (alanine 1629 retained).
Molecular consequence: synonymous variant.
Genome position (GRCh38, 1-based): chr5:73,911,514, C>G. VCF-style: chr5-73911514-C-G. GRCh37 (hg19) VCF-style: chr5-73207339-C-G.
Other names: c.4887C>G, p.Ala1629= (NM_001080479.3, NM_001388078.1); c.3948C>G, p.Ala1316= (NM_001244364.2); c.4593C>G, p.Ala1531= (NM_001388076.1).
Identifiers: ClinVar variation 778193 (VCV000778193.32), dbSNP rs149607856, ClinGen allele CA3305441.